The following is an entry in ClinVar:

ClinVar aggregate classification (germline): Uncertain significance (1 of 4 stars; one submission).

gnomAD v4.1: 1 of 1,613,310 alleles (0.000062%); highest among the groups gnomAD compares: Non-Finnish European, 0.000085%; no homozygotes.

Submission:

Labcorp Genetics (formerly Invitae), Labcorp
Classification: Uncertain significance. Last evaluated: 2022-08-16. Review status: criteria provided, single submitter. Criteria: Invitae Variant Classification Sherloc (09022015). Collection method: clinical testing. Allele origin: germline.
Comment: In summary, the available evidence is currently insufficient to determine the role of this variant in disease. Therefore, it has been classified as a Variant of Uncertain Significance. Algorithms developed to predict the effect of missense changes on protein structure and function are either unavailable or do not agree on the potential impact of this missense change (SIFT: "Deleterious"; PolyPhen-2: "Benign"; Align-GVGD: "Class C15"). This variant has not been reported in the literature in individuals affected with HMCN1-related conditions. This variant is not present in population databases (gnomAD no frequency). This sequence change replaces glutamic acid, which is acidic and polar, with alanine, which is neutral and non-polar, at codon 3032 of the HMCN1 protein (p.Glu3032Ala).

NM_031935.3(HMCN1):c.9095A>C (p.Glu3032Ala)

Gene: HMCN1 (hemicentin 1; plus strand). Cytogenetic location: 1q31.1.
Variant type: single nucleotide variant.
Coding change: c.9095A>C on transcript NM_031935.3 (MANE Select); coding-DNA position 9095, A replaced by C.
Protein change: p.Glu3032Ala; replaces glutamic acid 3032 with alanine.
Molecular consequence: missense variant.
Genome position (GRCh38, 1-based): chr1:186,087,265, A>C. VCF-style: chr1-186087265-A-C. GRCh37 (hg19) VCF-style: chr1-186056397-A-C.
Other names: short protein forms E3032A.
Identifiers: ClinVar variation 2074041 (VCV002074041.4), dbSNP rs2527892195, ClinGen allele CA343918606.
Genomic context (GRCh38, chr1:186,087,265, plus strand): 5'-ATTTACCTACAGGTGGTCGAACTCTACAGATTATTCGGGCCAAGGTATCAGATGGTGGTG[A>C]ATACACTTGTATAGCTATCAATCAAGCTGGCGAAAGCAAGAAAAAGTTTTCCCTGACTGT-3'
Protein context (NP_114141.2, residues 3022-3042): IIRAKVSDGG[Glu3032Ala]YTCIAINQAG